The following is an entry in ClinVar:

ClinVar aggregate classification (germline): Uncertain significance (1 of 4 stars; one submission).

Conditions:
Cataract 14 multiple types. Also called: CATARACT 14, ZONULAR PULVERULENT; CATARACT 14, NUCLEAR PULVERULENT; CATARACT 14, NUCLEAR PULVERULENT AND POSTERIOR POLAR; CATARACT 14, NUCLEAR CORALLIFORM; CATARACT 14, EMBRYONAL NUCLEAR; CATARACT 14, COPPOCK-LIKE. Identifiers: Orphanet 91492, MedGen C1866078, MONDO:0011162, OMIM 601885.

gnomAD v4.1: 6 of 1,546,308 alleles (0.00039%); highest among the groups gnomAD compares: South Asian, 0.0012%; no homozygotes.

Submission:

Labcorp Genetics (formerly Invitae), Labcorp
Classification: Uncertain significance for Zonular pulverulent cataract 3. Last evaluated: 2019-07-16. Review status: criteria provided, single submitter. Criteria: Invitae Variant Classification Sherloc (09022015). Collection method: clinical testing. Allele origin: germline.
Comment: This sequence change replaces arginine with glutamine at codon 260 of the GJA3 protein (p.Arg260Gln). The arginine residue is weakly conserved and there is a small physicochemical difference between arginine and glutamine. The frequency data for this variant in the population databases is considered unreliable, as metrics indicate insufficient coverage at this position in the ExAC database. This variant has not been reported in the literature in individuals with GJA3-related conditions. Algorithms developed to predict the effect of missense changes on protein structure and function (SIFT, PolyPhen-2, Align-GVGD) all suggest that this variant is likely to be tolerated, but these predictions have not been confirmed by published functional studies and their clinical significance is uncertain. Algorithms developed to predict the effect of sequence changes on RNA splicing suggest that this variant may create or strengthen a splice site, but this prediction has not been confirmed by published transcriptional studies. In summary, the available evidence is currently insufficient to determine the role of this variant in disease. Therefore, it has been classified as a Variant of Uncertain Significance.

NM_021954.4(GJA3):c.779G>A (p.Arg260Gln)

Gene: GJA3 (gap junction protein alpha 3; minus strand). Cytogenetic location: 13q12.11.
Variant type: single nucleotide variant.
Coding change: c.779G>A on transcript NM_021954.4 (MANE Select); coding-DNA position 779, G replaced by A.
Protein change: p.Arg260Gln; replaces arginine 260 with glutamine.
Molecular consequence: missense variant.
Genome position (GRCh38, 1-based): chr13:20,142,510, C>T on the plus strand (G>A on the coding strand, the complement: GJA3 is on the minus strand). VCF-style: chr13-20142510-C-T. GRCh37 (hg19) VCF-style: chr13-20716649-C-T.
Other names: short protein forms R260Q.
Identifiers: ClinVar variation 938525 (VCV000938525.1), dbSNP rs1958816239, ClinGen allele CA387463713.
Genomic context (GRCh38, chr13:20,142,510, plus strand): 5'-CCCAGGGGCGCAGCGGTGTGCGCATAGTAGGGTGGGAACCCGATGGCAACGGCGGGCGGC[C>T]GGGAGCTGGGGGGCAGGGGCGGGGGATCGGCTGTCCCCAGCGGGGCCTCGGAGGCGTCCG-3'
Protein context (NP_068773.2, residues 250-270): ADPPPLPPSS[Arg260Gln]PPAVAIGFPP